The following is an entry in ClinVar:

NM_032043.3(BRIP1):c.1119A>G (p.Leu373=)

Gene: BRIP1 (BRCA1 interacting DNA helicase 1; minus strand). Cytogenetic location: 17q23.2.
Variant type: single nucleotide variant.
Coding change: c.1119A>G on transcript NM_032043.3 (MANE Select); coding-DNA position 1119, A replaced by G.
Protein change: p.Leu373=; no amino-acid change (leucine 373 retained).
Molecular consequence: synonymous variant.
Genome position (GRCh38, 1-based): chr17:61,801,274, T>C on the plus strand (A>G on the coding strand, the complement: BRIP1 is on the minus strand). VCF-style: chr17-61801274-T-C. GRCh37 (hg19) VCF-style: chr17-59878635-T-C.
Identifiers: ClinVar variation 2939216 (VCV002939216.4), dbSNP rs2545151378, ClinGen allele CA501151754.

ClinVar aggregate classification (germline): Benign/Likely benign. Review status: criteria provided, multiple submitters, no conflicts (2 of 4 stars). 2 submissions from 2 submitters: Benign (1); Likely benign (1). Last evaluated 2024-10-23.

Conditions:
Fanconi anemia complementation group J. Also called: BRIP1-Related Fanconi Anemia. Identifiers: Orphanet 84, MedGen C1836860, MONDO:0012187, OMIM 609054.
Familial cancer of breast. Also called: BREAST CANCER, FAMILIAL; Hereditary breast cancer; hereditary breast carcinoma. Identifiers: Orphanet 227535, MedGen C0346153, MONDO:0016419, OMIM 114480. Disease mechanism: loss of function.

Allele frequency attached by ClinVar (database versions not stated): gnomAD exomes below 0.00001.
gnomAD v4.1: 1 of 1,613,600 alleles (0.000062%); highest among the groups gnomAD compares: Non-Finnish European, 0.000085%; no homozygotes.

Submissions (2):

Labcorp Genetics (formerly Invitae), Labcorp
Classification: Likely benign for Familial cancer of breast; Fanconi anemia complementation group J. Last evaluated: 2024-10-23. Review status: criteria provided, single submitter. Criteria: Invitae Variant Classification Sherloc (09022015). Collection method: clinical testing. Allele origin: germline.

Myriad Genetics, Inc.
Classification: Benign for Familial cancer of breast. Last evaluated: 2024-08-23. Review status: criteria provided, single submitter. Criteria: Myriad Autosomal Dominant, Autosomal Recessive and X-Linked Classification Criteria (2023). Collection method: clinical testing. Allele origin: unknown.
Comment: This variant is considered benign. This variant is a silent/synonymous amino acid change and it is not expected to impact splicing.